The following is an entry in ClinVar:

ClinVar aggregate classification (germline): Uncertain significance. Review status: criteria provided, single submitter (1 of 4 stars). 2 submissions from 2 submitters: Uncertain significance (1). 1 of the submissions does not count toward it. Last evaluated 2022-07-11.

Conditions:
Tay-Sachs disease (TSD). Also called: HEXA Disorders; HEXA DEFICIENCY; Hexosaminidase A Deficiency; GM2 gangliosidosis, type 1; Hexosaminidase alpha-subunit deficiency (variant B); Sphingolipidosis, Tay-Sachs. Identifiers: Orphanet 845, MedGen C0039373, MONDO:0010100, OMIM 272800.

gnomAD v4.1: 15 of 1,614,120 alleles (0.00093%); highest among the groups gnomAD compares: South Asian, 0.012%; 1 homozygote.

Submissions (2):

Labcorp Genetics (formerly Invitae), Labcorp
Classification: Uncertain significance for Tay-Sachs disease. Last evaluated: 2022-07-11. Review status: criteria provided, single submitter. Criteria: Invitae Variant Classification Sherloc (09022015). Collection method: clinical testing. Allele origin: germline.
Comment: This sequence change replaces proline, which is neutral and non-polar, with serine, which is neutral and polar, at codon 397 of the HEXA protein (p.Pro397Ser). This variant is present in population databases (rs778878211, gnomAD 0.01%). This variant has not been reported in the literature in individuals affected with HEXA-related conditions. ClinVar contains an entry for this variant (Variation ID: 555043). Algorithms developed to predict the effect of missense changes on protein structure and function output the following: SIFT: "Tolerated"; PolyPhen-2: "Benign"; Align-GVGD: "Class C0". The serine amino acid residue is found in multiple mammalian species, which suggests that this missense change does not adversely affect protein function. In summary, the available evidence is currently insufficient to determine the role of this variant in disease. Therefore, it has been classified as a Variant of Uncertain Significance.

Counsyl
Classification: Uncertain significance for Tay-Sachs disease. Last evaluated: 2017-11-16. Review status: no assertion criteria provided. Collection method: clinical testing. Allele origin: unknown. Not counted in ClinVar's aggregate classification.

NM_000520.6(HEXA):c.1189C>T (p.Pro397Ser)

Gene: HEXA (hexosaminidase subunit alpha; minus strand). Cytogenetic location: 15q23.
Variant type: single nucleotide variant.
Coding change: c.1189C>T on transcript NM_000520.6 (MANE Select); coding-DNA position 1189, C replaced by T.
Protein change: p.Pro397Ser; replaces proline 397 with serine.
Molecular consequence: missense variant.
Genome position (GRCh38, 1-based): chr15:72,346,668, G>A on the plus strand (C>T on the coding strand, the complement: HEXA is on the minus strand). VCF-style: chr15-72346668-G-A. GRCh37 (hg19) VCF-style: chr15-72639009-G-A.
Other names: c.1222C>T, p.Pro408Ser (NM_001318825.2); short protein forms P397S, P408S.
Identifiers: ClinVar variation 555043 (VCV000555043.4), dbSNP rs778878211, ClinGen allele CA7644760.